The following is an entry in ClinVar:

ClinVar aggregate classification (germline): Benign. Review status: criteria provided, multiple submitters, no conflicts (2 of 4 stars). 4 submissions from 4 submitters: Benign (4). Last evaluated 2026-02-03.

Allele frequency attached by ClinVar (database versions not stated): ESP Exome Variant Server 0.13709; TOPMed 0.16213; 1000 Genomes Project 30x 0.18395; ExAC 0.13200; gnomAD exomes 0.13252; gnomAD 0.14462 and 0.14390; 1000 Genomes Project 0.18151.
gnomAD v4.1: 181,943 of 1,611,130 alleles (11%); highest among the groups gnomAD compares: Admixed American, 24%; 11,879 homozygotes.

Submissions (4):

Labcorp Genetics (formerly Invitae), Labcorp
Classification: Benign. Last evaluated: 2026-02-03. Review status: criteria provided, single submitter. Criteria: Invitae Variant Classification Sherloc (09022015). Collection method: clinical testing. Allele origin: germline.

Mayo Clinic Laboratories, Mayo Clinic
Classification: Benign. Last evaluated: 2022-10-27. Review status: criteria provided, single submitter. Criteria: ACMG Guidelines, 2015. Collection method: clinical testing. Allele origin: germline. Observed: 66 variant alleles.

GeneDx
Classification: Benign. Last evaluated: 2013-09-10. Review status: criteria provided, single submitter. Criteria: GeneDx Variant Classification (06012015). Collection method: clinical testing. Allele origin: germline. Affected: yes.
Comment: This variant is considered likely benign or benign based on one or more of the following criteria: it is a conservative change, it occurs at a poorly conserved position in the protein, it is predicted to be benign by multiple in silico algorithms, and/or has population frequency not consistent with disease.

Breakthrough Genomics
Classification: Benign. Review status: criteria provided, single submitter. Criteria: ACMG Guidelines, 2015. Collection method: not provided. Allele origin: germline. Inheritance: Autosomal recessive inheritance. Affected: yes.

NM_032380.5(GFM2):c.459G>A (p.Glu153=)

Gene: GFM2 (GTP dependent ribosome recycling factor mitochondrial 2; minus strand). Cytogenetic location: 5q13.3.
Variant type: single nucleotide variant.
Coding change: c.459G>A on transcript NM_032380.5 (MANE Select); coding-DNA position 459, G replaced by A.
Protein change: p.Glu153=; no amino-acid change (glutamic acid 153 retained).
Molecular consequence: synonymous variant. On other transcripts: non-coding transcript variant (1).
Genome position (GRCh38, 1-based): chr5:74,750,639, C>T on the plus strand (G>A on the coding strand, the complement: GFM2 is on the minus strand). VCF-style: chr5-74750639-C-T. GRCh37 (hg19) VCF-style: chr5-74046464-C-T.
Other names: p.E153E:GAG>GAA; p.Glu153=; c.555G>A, p.Glu185= (NM_001281302.2); c.459G>A, p.Glu153= (NM_170681.3, NM_170691.3).
Identifiers: ClinVar variation 137471 (VCV000137471.12), dbSNP rs17852781, ClinGen allele CA291071.